The following is an entry in ClinVar:

ClinVar aggregate classification (germline): Likely benign (1 of 4 stars; one submission).

Allele frequency attached by ClinVar (database versions not stated): gnomAD 0.00001 and 0.00004; TOPMed 0.00003; gnomAD exomes 0.00007; 1000 Genomes Project 30x 0.00016; 1000 Genomes Project 0.00020.
gnomAD v4.1: 24 of 399,324 alleles (0.006%); highest among the groups gnomAD compares: South Asian, 0.038%; no homozygotes.

Submission:

GeneDx
Classification: Likely benign. Last evaluated: 2017-07-24. Review status: criteria provided, single submitter. Criteria: GeneDx Variant Classification (06012015). Collection method: clinical testing. Allele origin: germline. Affected: yes.
Comment: This variant is considered likely benign or benign based on one or more of the following criteria: it is a conservative change, it occurs at a poorly conserved position in the protein, it is predicted to be benign by multiple in silico algorithms, and/or has population frequency not consistent with disease.

NC_000016.10:g.30054797C>T

Genes: ALDOA (aldolase, fructose-bisphosphate A; plus strand), LOC112694756 (uncharaterized LOC112694756; plus strand). Cytogenetic location: 16p11.2.
Variant type: single nucleotide variant.
Molecular consequence: missense variant (on NM_001365304.2). On other transcripts: intron variant (1).
Genome position: GRCh38 VCF-style: chr16-30054797-C-T. GRCh37 (hg19) VCF-style: chr16-30066118-C-T.
Other names: c.20C>T, p.Pro7Leu (NM_001365304.2, NM_001365307.2); c.7-375C>T (NM_001365305.2); short protein forms P7L.
Identifiers: ClinVar variation 510732 (VCV000510732.1), dbSNP rs566612278, ClinGen allele CA280402355.